The following is an entry in ClinVar:

ClinVar aggregate classification (germline): Likely benign (1 of 4 stars; one submission).

Submission:

CeGaT Center for Human Genetics Tuebingen
Classification: Likely benign. Last evaluated: 2026-03-01. Review status: criteria provided, single submitter. Criteria: CeGaT Center For Human Genetics Tuebingen Variant Classification Criteria Version 2. Collection method: clinical testing. Allele origin: germline. Affected: yes. Observed: 1 variant allele.
Comment: MUC4: BP4, BP7

NM_018406.7(MUC4):c.11064A>G (p.Ser3688=)

Gene: MUC4 (mucin 4, cell surface associated). Cytogenetic location: 3q29.
Variant type: single nucleotide variant.
Coding change: c.11064A>G on transcript NM_018406.7 (MANE Select); coding-DNA position 11064, A replaced by G.
Protein change: p.Ser3688=; no amino-acid change (serine 3688 retained).
Molecular consequence: synonymous variant. On other transcripts: intron variant (2).
Genome position (GRCh38, 1-based): chr3:195,780,516, T>C on the plus strand (A>G on the coding strand, the complement: MUC4 is on the minus strand). VCF-style: chr3-195780516-T-C. GRCh37 (hg19) VCF-style: chr3-195507387-T-C.
Other names: c.83-6211A>G (NM_138297.5); c.83-2061A>G (NM_004532.6).
Identifiers: ClinVar variation 4084129 (VCV004084129.8).